The following is an entry in ClinVar:

ClinVar aggregate classification (germline): Likely benign. Review status: criteria provided, multiple submitters, no conflicts (2 of 4 stars). 2 submissions from 2 submitters: Likely benign (2). Last evaluated 2024-02-10.

Conditions:
Intellectual developmental disorder, X-linked 1. Also called: MENTAL RETARDATION, X-LINKED 18; MENTAL RETARDATION, X-LINKED 78; Intellectual disability, X-linked 1; Atkin Flaitz Patil Smith syndrome. Identifiers: Orphanet 777, MedGen C2931498, MONDO:0010656, OMIM 309530.

Allele frequency attached by ClinVar (database versions not stated): gnomAD 0.00001; gnomAD exomes 0.00003; TOPMed 0.00001.
gnomAD v4.1: 32 of 1,190,699 alleles (0.0027%); highest among the groups gnomAD compares: Non-Finnish European, 0.0035%; no homozygotes.

Submissions (2):

Labcorp Genetics (formerly Invitae), Labcorp
Classification: Likely benign for Intellectual developmental disorder, X-linked 1. Last evaluated: 2024-02-10. Review status: criteria provided, single submitter. Criteria: Invitae Variant Classification Sherloc (09022015). Collection method: clinical testing. Allele origin: germline.

GeneDx
Classification: Likely benign. Last evaluated: 2018-01-10. Review status: criteria provided, single submitter. Criteria: GeneDx Variant Classification (06012015). Collection method: clinical testing. Allele origin: germline. Affected: yes.
Comment: This variant is considered likely benign or benign based on one or more of the following criteria: it is a conservative change, it occurs at a poorly conserved position in the protein, it is predicted to be benign by multiple in silico algorithms, and/or has population frequency not consistent with disease.

NM_001111125.3(IQSEC2):c.1341C>T (p.Val447=)

Gene: IQSEC2 (IQ motif and Sec7 domain ArfGEF 2; minus strand). Cytogenetic location: Xp11.22.
Variant type: single nucleotide variant.
Coding change: c.1341C>T on transcript NM_001111125.3 (MANE Select); coding-DNA position 1341, C replaced by T.
Protein change: p.Val447=; no amino-acid change (valine 447 retained).
Molecular consequence: synonymous variant.
Genome position (GRCh38, 1-based): chrX:53,254,590, G>A on the plus strand (C>T on the coding strand, the complement: IQSEC2 is on the minus strand). VCF-style: chrX-53254590-G-A. GRCh37 (hg19) VCF-style: chrX-53283772-G-A.
Other names: c.726C>T, p.Val242= (NM_015075.2).
Identifiers: ClinVar variation 514517 (VCV000514517.11), dbSNP rs1361283835, ClinGen allele CA516432831.
Genomic context (GRCh38, chrX:53,254,590, plus strand): 5'-CTGTTTGGAGAAGGAGTCCTCAAGTTCTGTGATGTCATTAGAAAACTCTCCAGATGTGGT[G>A]ACGGAGCTTCCACCACCATCGATGCCCCCACCACAGGAGCCTCCATATGGGAGCCCCCGT-3'
Protein context (NP_001104595.1, residues 437-457): GGGIDGGGSS[Val447=]TTSGEFSNDI